The following is an entry in ClinVar:

ClinVar aggregate classification (germline): Conflicting classifications of pathogenicity. Review status: criteria provided, conflicting classifications (1 of 4 stars). 6 submissions from 6 submitters: Uncertain significance (1); Likely benign (5). Last evaluated 2025-01-17.

Conditions:
Hereditary cancer-predisposing syndrome. Also called: Neoplastic Syndromes, Hereditary; Hereditary Cancer Syndrome; Tumor predisposition; Hereditary neoplastic syndrome. Identifiers: Orphanet 140162, MedGen C0027672, MeSH D009386, MONDO:0015356.
Hereditary breast ovarian cancer syndrome. Also called: Hereditary breast and ovarian cancer syndrome; Hereditary breast and ovarian cancer; Hereditary breast and ovarian cancer syndrome (HBOC); Hereditary breast and/or ovarian cancer syndrome; Breast and ovarian cancer; BRCA1- and BRCA2-Associated Hereditary Breast and Ovarian Cancer. Identifiers: Orphanet 145, MedGen C0677776, MeSH D061325, MONDO:0003582. Disease mechanism: loss of function.
Breast-ovarian cancer, familial, susceptibility to, 2 (BROVCA2). Also called: BRCA2 Hereditary Breast and Ovarian Cancer. Identifiers: Orphanet 145, MedGen C2675520, MONDO:0012933, OMIM 612555. Disease mechanism: loss of function.

Submissions (6):

Ambry Genetics
Classification: Likely benign for Hereditary cancer-predisposing syndrome. Last evaluated: 2025-01-17. Review status: criteria provided, single submitter. Criteria: Ambry Variant Classification Scheme 2023. Collection method: clinical testing. Allele origin: germline.

All of Us Research Program, National Institutes of Health
Classification: Likely benign for Breast-ovarian cancer, familial, susceptibility to, 2. Last evaluated: 2023-10-27. Review status: criteria provided, single submitter. Criteria: ACMG Guidelines, 2015. Collection method: clinical testing. Allele origin: germline. Inheritance: Autosomal dominant inheritance. Observed: 1 variant allele, 1 heterozygote.
Comment: This study involves interpretation of variants in research participants for the purpose of population health screening. Participant phenotype was not available at the time of variant classification. Additional details can be found in publication PMID: 35346344, PMCID: PMC8962531

Labcorp Genetics (formerly Invitae), Labcorp
Classification: Likely benign for Hereditary breast ovarian cancer syndrome. Last evaluated: 2023-03-24. Review status: criteria provided, single submitter. Criteria: Invitae Variant Classification Sherloc (09022015). Collection method: clinical testing. Allele origin: germline.

Color Diagnostics, LLC DBA Color Health
Classification: Likely benign for Hereditary cancer-predisposing syndrome. Last evaluated: 2019-07-30. Review status: criteria provided, single submitter. Criteria: ACMG Guidelines, 2015. Collection method: clinical testing. Allele origin: germline.

Women's Health and Genetics/Laboratory Corporation of America, LabCorp
Classification: Likely benign. Last evaluated: 2019-07-28. Review status: criteria provided, single submitter. Criteria: LabCorp Variant Classification Summary - May 2015. Collection method: clinical testing. Allele origin: germline.

Quest Diagnostics Nichols Institute San Juan Capistrano
Classification: Uncertain significance. Last evaluated: 2019-05-28. Review status: criteria provided, single submitter. Criteria: Quest Diagnostics criteria. Collection method: clinical testing. Allele origin: germline.

NM_000059.4(BRCA2):c.939T>C (p.Ser313=)

Gene: BRCA2 (BRCA2 DNA repair associated; plus strand). Cytogenetic location: 13q13.1.
Variant type: single nucleotide variant.
Coding change: c.939T>C on transcript NM_000059.4 (MANE Select); coding-DNA position 939, T replaced by C.
Protein change: p.Ser313=; no amino-acid change (serine 313 retained).
Molecular consequence: synonymous variant.
Genome position (GRCh38, 1-based): chr13:32,332,417, T>C. VCF-style: chr13-32332417-T-C. GRCh37 (hg19) VCF-style: chr13-32906554-T-C.
Identifiers: ClinVar variation 801128 (VCV000801128.15), dbSNP rs1593891536, ClinGen allele CA483436346.